The following is an entry in ClinVar:

NM_014305.4(TGDS):c.884G>A (p.Arg295Lys)

Gene: TGDS (TDP-glucose 4,6-dehydratase; minus strand). Cytogenetic location: 13q32.1.
Variant type: single nucleotide variant.
Coding change: c.884G>A on transcript NM_014305.4 (MANE Select); coding-DNA position 884, G replaced by A.
Protein change: p.Arg295Lys; replaces arginine 295 with lysine.
Molecular consequence: missense variant. On other transcripts: non-coding transcript variant (2).
Genome position (GRCh38, 1-based): chr13:94,577,371, C>T on the plus strand (G>A on the coding strand, the complement: TGDS is on the minus strand). VCF-style: chr13-94577371-C-T. GRCh37 (hg19) VCF-style: chr13-95229625-C-T.
Other names: c.788G>A, p.Arg263Lys (NM_001304430.2); short protein forms R263K, R295K.
Identifiers: ClinVar variation 3069084 (VCV003069084.2), dbSNP rs2501956906, ClinGen allele CA388393278.
Genomic context (GRCh38, chr13:94,577,371, plus strand): 5'-TAATTTTATAAGTACCTAAGATTTCACAACCTTTCCCCAAGGTTTTAACTTGTTACTCAC[C>T]TATCATTAACATAATCAACCCAATTTTCCATTTCAGACTCTGAATTGGTCTCTTTGATCT-3'
Protein context (NP_055120.1, residues 285-305): MENWVDYVND[Arg295Lys]PTNDMRYPMK

ClinVar aggregate classification (germline): Uncertain significance (1 of 4 stars; one submission).

Submission:

Women's Health and Genetics/Laboratory Corporation of America, LabCorp
Classification: Uncertain significance. Last evaluated: 2024-02-19. Review status: criteria provided, single submitter. Criteria: LabCorp Variant Classification Summary - May 2015. Collection method: clinical testing. Allele origin: germline.
Comment: Variant summary: TGDS c.884G>A (p.Arg295Lys) results in a conservative amino acid change in the encoded protein sequence. Four of five in-silico tools predict a damaging effect of the variant on protein function. Several computational tools predict a significant impact on normal splicing: One predicts the variant abolishes a 5' splicing donor site; while three predict the variant weakens a 5' donor site. However, these predictions have yet to be confirmed by functional studies. The variant was absent in 215982 control chromosomes. The available data on variant occurrences in the general population are insufficient to allow any conclusion about variant significance. To our knowledge, no occurrence of c.884G>A in individuals affected with Catel-Manzke Syndrome and no experimental evidence demonstrating its impact on protein function have been reported. No submitters have cited clinical-significance assessments for this variant to ClinVar. Based on the evidence outlined above, the variant was classified as uncertain significance.